The following is an entry in ClinVar:

NM_138691.3(TMC1):c.537T>G (p.Ser179Arg)

Gene: TMC1 (transmembrane channel like 1; plus strand). Cytogenetic location: 9q21.13.
Variant type: single nucleotide variant.
Coding change: c.537T>G on transcript NM_138691.3 (MANE Select); coding-DNA position 537, T replaced by G.
Protein change: p.Ser179Arg; replaces serine 179 with arginine.
Molecular consequence: missense variant.
Genome position (GRCh38, 1-based): chr9:72,751,851, T>G. VCF-style: chr9-72751851-T-G. GRCh37 (hg19) VCF-style: chr9-75366767-T-G.
Other names: short protein forms S179R.
Identifiers: ClinVar variation 2126554 (VCV002126554.4), dbSNP rs2489834562, ClinGen allele CA373497473.

ClinVar aggregate classification (germline): Uncertain significance (1 of 4 stars; one submission).

Submission:

Labcorp Genetics (formerly Invitae), Labcorp
Classification: Uncertain significance. Last evaluated: 2022-04-15. Review status: criteria provided, single submitter. Criteria: Invitae Variant Classification Sherloc (09022015). Collection method: clinical testing. Allele origin: germline.
Comment: This variant is not present in population databases (gnomAD no frequency). In summary, the available evidence is currently insufficient to determine the role of this variant in disease. Therefore, it has been classified as a Variant of Uncertain Significance. Algorithms developed to predict the effect of sequence changes on RNA splicing suggest that this variant may disrupt the consensus splice site. Algorithms developed to predict the effect of missense changes on protein structure and function are either unavailable or do not agree on the potential impact of this missense change (SIFT: "Deleterious"; PolyPhen-2: "Probably Damaging"; Align-GVGD: "Class C15"). This variant has not been reported in the literature in individuals affected with TMC1-related conditions. This sequence change replaces serine, which is neutral and polar, with arginine, which is basic and polar, at codon 179 of the TMC1 protein (p.Ser179Arg).